The following is an entry in ClinVar:

NM_003001.5(SDHC):c.405+1G>A

Gene: SDHC (succinate dehydrogenase complex subunit C; plus strand). Cytogenetic location: 1q23.3.
Variant type: single nucleotide variant.
Coding change: c.405+1G>A on transcript NM_003001.5 (MANE Select); the canonical splice donor site of the intron after coding-DNA position 405, G replaced by A.
Molecular consequence: splice donor variant. On other transcripts: intron variant (3).
Genome position (GRCh38, 1-based): chr1:161,356,841, G>A. VCF-style: chr1-161356841-G-A. GRCh37 (hg19) VCF-style: chr1-161326631-G-A.
Other names: IVS5DS, G-A, +1; c.294+1G>A (NM_001407119.1, NM_001407120.1); c.525+1G>A (NM_001407115.1); c.242-5488G>A (NM_001035511.3); c.303+1G>A (NM_001035512.3); c.140-5488G>A (NM_001278172.3); c.297+1G>A (NM_001407118.1); c.348+1G>A (NM_001407116.1); and 3 more.
Identifiers: ClinVar variation 7244 (VCV000007244.11), dbSNP rs587776653, ClinGen allele CA011395.

ClinVar aggregate classification (germline): Pathogenic. Review status: criteria provided, multiple submitters, no conflicts (2 of 4 stars). 7 submissions from 6 submitters: Pathogenic (3). 4 of the submissions do not count toward it. Last evaluated 2025-04-01.

Conditions:
SDHC-related disorder. Also called: SDHC-related condition.
Gastrointestinal stromal tumor. Also called: Gastrointestinal stromal tumor, somatic; Gastrointestinal stroma tumor. Identifiers: Orphanet 44890, MedGen C0238198, MeSH D046152, MONDO:0011719, OMIM 606764, HP:0100723.
Pheochromocytoma/paraganglioma syndrome 3. Also called: SDHC-Related Hereditary Paraganglioma-Pheochromocytoma Syndrome; GLOMUS TUMORS, FAMILIAL, 3; Paragangliomas 3; SDHC-Related Hereditary Paraganglioma-Pheochromocytoma Syndrome (Paragangliomas 3). Identifiers: Orphanet 29072, MedGen C1854336, MONDO:0011544, OMIM 605373.
Carney triad. Also called: GASTRIC LEIOMYOSARCOMA, PULMONARY CHONDROMA, AND EXTRAADRENAL PARAGANGLIOMA. Identifiers: Orphanet 139411, MedGen C1858592, MONDO:0011424, OMIM 604287.
Hereditary cancer-predisposing syndrome. Also called: Hereditary neoplastic syndrome; Tumor predisposition; Neoplastic Syndromes, Hereditary; Hereditary Cancer Syndrome. Identifiers: Orphanet 140162, MedGen C0027672, MeSH D009386, MONDO:0015356.
Hereditary pheochromocytoma and paraganglioma. Also called: Hereditary paragangliomas and pheochromocytomas; Hereditary pheochromocytoma-paraganglioma; Hereditary Paraganglioma-Pheochromocytoma Syndromes. Identifiers: Orphanet 29072, MedGen C4274332, MONDO:0017366.
Carney-Stratakis syndrome. Also called: PARAGANGLIOMA AND GASTROINTESTINAL STROMAL TUMOR. Identifiers: Orphanet 97286, MedGen C1847319, MONDO:0011740, OMIM 606864.

Submissions (7):

Ambry Genetics
Classification: Pathogenic for Hereditary cancer-predisposing syndrome. Last evaluated: 2025-04-01. Review status: criteria provided, single submitter. Criteria: Ambry Variant Classification Scheme 2023. Collection method: clinical testing. Allele origin: germline.
Comment: The c.405+1G>A intronic pathogenic mutation results from a G to A substitution one nucleotide after coding exon 5 of the SDHC gene. This alteration occurs at the 3' terminus of the SDHC gene, is not expected to trigger nonsense-mediated mRNA decay, and impacts the last 52% of the protein. The exact functional effect of this alteration is unknown; however, the region predicted to be impacted is critical for protein function and a significant portion of the protein is affected (Ambry internal data). This variant was reported in individual(s) with features consistent with SDHC-related paraganglioma-pheochromocytoma syndrome including paraganglioma and gastrointestinal stromal tumor (GIST) (Pasini B et al. Eur J Hum Genet, 2008 Jan;16:79-88; Janeway KA et al. Proc Natl Acad Sci U S A, 2011 Jan;108:314-8; Millar AC et al. Endocr Pathol, 2014 Sep;25:315-20). RNA analysis performed by Pasini et al. demonstrated that this mutant allele resulted in abnormal splicing (Pasini B et al. Eur J Hum Genet, 2008 Jan;16:79-88). Other variant(s) impacting the same donor site (c.405+1G>T, c.405+1G>C) have been identified in individual(s) with features consistent with SDHC-related paraganglioma-pheochromocytoma syndrome (Schiavi F et al. JAMA, 2005 Oct;294:2057-63; Lefebvre S et al. Horm Metab Res, 2012 May;44:334-8; Else T et al. J Clin Endocrinol Metab, 2014 Aug;99:E1482-6). This nucleotide position is highly conserved in available vertebrate species. In silico splice site analysis predicts that this alteration will weaken the native splice donor site. This variant is considered to be rare based on population cohorts in the Genome Aggregation Database (gnomAD). Based on the supporting evidence, this variant is interpreted as a disease-causing mutation.

Labcorp Genetics (formerly Invitae), Labcorp
Classification: Pathogenic for Pheochromocytoma/paraganglioma syndrome 3; Gastrointestinal stromal tumor. Last evaluated: 2025-03-16. Review status: criteria provided, single submitter. Criteria: Invitae Variant Classification Sherloc (09022015). Collection method: clinical testing. Allele origin: germline.
Comment: This sequence change affects a donor splice site in intron 5 of the SDHC gene. RNA analysis indicates that disruption of this splice site induces altered splicing and likely disrupts the C-terminus of the protein. This variant is not present in population databases (gnomAD no frequency). Disruption of this splice site has been observed in individuals with paraganglioma and/or gastrointestinal stromal tumors (PMID: 12658451, 17667967, 17804857, 21173220, 24402737, 24758179, 26173966). This variant is also known as IVS5+1G>A. ClinVar contains an entry for this variant (Variation ID: 7244). Variants that disrupt the consensus splice site are a relatively common cause of aberrant splicing (PMID: 17576681, 9536098). Studies have shown that disruption of this splice site results in skipping of exon 5 and introduces a new termination codon (PMID: 17667967). However the mRNA is not expected to undergo nonsense-mediated decay. For these reasons, this variant has been classified as Pathogenic.

Blueprint Genetics
Classification: Pathogenic for SDHC-related disorders. Last evaluated: 2021-07-14. Review status: criteria provided, single submitter. Criteria: ACMG Guidelines, 2015. Collection method: clinical testing. Allele origin: germline. Affected: yes. Observed: 1 variant allele.

OMIM
Classification: Pathogenic for PARAGANGLIOMA AND GASTRIC STROMAL SARCOMA. Last evaluated: 2011-01-04. Review status: no assertion criteria provided. Collection method: literature only. Allele origin: germline. Not counted in ClinVar's aggregate classification.

OMIM
Classification: Pathogenic for GASTROINTESTINAL STROMAL TUMOR. Last evaluated: 2011-01-04. Review status: no assertion criteria provided. Collection method: literature only. Allele origin: germline. Not counted in ClinVar's aggregate classification.

Section on Endocrinology and Genetics, National Institutes of Health / The Eunice Kennedy Shriver National Institute of Child Health and Human Development
Classification: Likely pathogenic for Carney triad. Review status: no assertion criteria provided. Collection method: clinical testing. Allele origin: germline. Affected: yes. Observed: 1 heterozygote. Study: Carney Triad. Not counted in ClinVar's aggregate classification.
Comment: rare cases of SDHx mutations in Carney Triad

Section on Medical Neuroendocrinolgy, National Institutes of Health
Classification: Likely pathogenic for Hereditary pheochromocytoma and paraganglioma. Review status: no assertion criteria provided. Collection method: research. Allele origin: germline. Affected: no. Not counted in ClinVar's aggregate classification.

Literature cited by the submitters: PubMed 17667967 (cited by 3 submitters); PubMed 21173220 (cited by 3 submitters); PubMed 24402737 (cited by Ambry Genetics and Labcorp Genetics (formerly Invitae), Labcorp); PubMed 12658451 (cited by Labcorp Genetics (formerly Invitae), Labcorp); PubMed 17804857 (cited by Labcorp Genetics (formerly Invitae), Labcorp and OMIM); PubMed 24758179 (cited by Labcorp Genetics (formerly Invitae), Labcorp); PubMed 26173966 (cited by Labcorp Genetics (formerly Invitae), Labcorp); PubMed 17576681 (cited by Labcorp Genetics (formerly Invitae), Labcorp); PubMed 9536098 (cited by Labcorp Genetics (formerly Invitae), Labcorp).